The following is an entry in ClinVar:

ClinVar aggregate classification (germline): Uncertain significance. Review status: criteria provided, multiple submitters, no conflicts (2 of 4 stars). 2 submissions from 2 submitters: Uncertain significance (2). Last evaluated 2025-04-21.

Conditions:
Inborn genetic diseases. Identifiers: MedGen C0950123, MeSH D030342.
Baller-Gerold syndrome (BGS). Also called: CRANIOSYNOSTOSIS WITH RADIAL DEFECTS. Identifiers: Orphanet 1225, MedGen C0265308, MONDO:0009039, OMIM 218600.

Allele frequency attached by ClinVar (database versions not stated): gnomAD exomes below 0.00001; TOPMed 0.00002; gnomAD 0.00003 and 0.00004.
gnomAD v4.1: 9 of 1,608,634 alleles (0.00056%); highest among the groups gnomAD compares: African/African-American, 0.004%; no homozygotes.

Submissions (2):

Labcorp Genetics (formerly Invitae), Labcorp
Classification: Uncertain significance for Baller-Gerold syndrome. Last evaluated: 2025-04-21. Review status: criteria provided, single submitter. Criteria: Invitae Variant Classification Sherloc (09022015). Collection method: clinical testing. Allele origin: germline.
Comment: This sequence change replaces methionine, which is neutral and non-polar, with valine, which is neutral and non-polar, at codon 761 of the RECQL4 protein (p.Met761Val). This variant is not present in population databases (gnomAD no frequency). This variant has not been reported in the literature in individuals affected with RECQL4-related conditions. ClinVar contains an entry for this variant (Variation ID: 846891). Invitae Evidence Modeling of protein sequence and biophysical properties (such as structural, functional, and spatial information, amino acid conservation, physicochemical variation, residue mobility, and thermodynamic stability) indicates that this missense variant is expected to disrupt RECQL4 protein function with a positive predictive value of 80%. In summary, the available evidence is currently insufficient to determine the role of this variant in disease. Therefore, it has been classified as a Variant of Uncertain Significance.

Ambry Genetics
Classification: Uncertain significance for Inborn genetic diseases. Last evaluated: 2024-12-02. Review status: criteria provided, single submitter. Criteria: Ambry Variant Classification Scheme 2023. Collection method: clinical testing. Allele origin: germline.
Comment: The p.M761V variant (also known as c.2281A>G), located in coding exon 14 of the RECQL4 gene, results from an A to G substitution at nucleotide position 2281. The methionine at codon 761 is replaced by valine, an amino acid with highly similar properties. This amino acid position is conserved. In addition, the in silico prediction for this alteration is inconclusive. Based on the available evidence, the clinical significance of this variant remains unclear.

NM_004260.4(RECQL4):c.2281A>G (p.Met761Val)

Gene: RECQL4 (RecQ like helicase 4; minus strand). Cytogenetic location: 8q24.3.
Variant type: single nucleotide variant.
Coding change: c.2281A>G on transcript NM_004260.4 (MANE Select); coding-DNA position 2281, A replaced by G.
Protein change: p.Met761Val; replaces methionine 761 with valine.
Molecular consequence: missense variant.
Genome position (GRCh38, 1-based): chr8:144,513,400, T>C on the plus strand (A>G on the coding strand, the complement: RECQL4 is on the minus strand). VCF-style: chr8-144513400-T-C. GRCh37 (hg19) VCF-style: chr8-145738784-T-C.
Other names: short protein forms M761V.
Identifiers: ClinVar variation 846891 (VCV000846891.7), dbSNP rs941552175, ClinGen allele CA187682622.